The following is an entry in ClinVar:

ClinVar aggregate classification (germline): Uncertain significance (1 of 4 stars; one submission).

Conditions:
Malignant hyperthermia, susceptibility to, 5 (MHS5). Also called: CACNA1S-Related Malignant Hyperthermia Susceptibility. Identifiers: Orphanet 423, MedGen C1866077, MONDO:0011163, OMIM 601887.

Submission:

All of Us Research Program, National Institutes of Health
Classification: Uncertain significance for Malignant hyperthermia, susceptibility to, 5. Last evaluated: 2023-09-17. Review status: criteria provided, single submitter. Criteria: ACMG Guidelines, 2015. Collection method: clinical testing. Allele origin: germline. Inheritance: Autosomal dominant inheritance. Observed: 1 variant allele, 1 heterozygote.
Comment: This missense variant replaces asparagine with isoleucine at codon 1456 of the CACNA1S protein. Computational prediction is inconclusive regarding the impact of this variant on protein structure and function (internally defined REVEL score threshold 0.5 < inconclusive < 0.7, PMID: 27666373). To our knowledge, functional studies have not been reported for this variant. This variant has not been reported in individuals affected with CACNA1S-related disorders in the literature. This variant has not been identified in the general population by the Genome Aggregation Database (gnomAD). The available evidence is insufficient to determine the role of this variant in disease conclusively. Therefore, this variant is classified as a Variant of Uncertain Significance.

This study involves interpretation of variants in research participants for the purpose of population health screening. Participant phenotype was not available at the time of variant classification. Additional details can be found in publication PMID: 35346344, PMCID: PMC8962531

NM_000069.3(CACNA1S):c.4367A>T (p.Asn1456Ile)

Gene: CACNA1S (calcium voltage-gated channel subunit alpha1 S; minus strand). Cytogenetic location: 1q32.1.
Variant type: single nucleotide variant.
Coding change: c.4367A>T on transcript NM_000069.3 (MANE Select); coding-DNA position 4367, A replaced by T.
Protein change: p.Asn1456Ile; replaces asparagine 1456 with isoleucine.
Molecular consequence: missense variant.
Genome position (GRCh38, 1-based): chr1:201,048,656, T>A on the plus strand (A>T on the coding strand, the complement: CACNA1S is on the minus strand). VCF-style: chr1-201048656-T-A. GRCh37 (hg19) VCF-style: chr1-201017784-T-A.
Other names: short protein forms N1456I.
Identifiers: ClinVar variation 3073452 (VCV003073452.1), dbSNP rs2464435744, ClinGen allele CA344145345.